The following is an entry in ClinVar:

NM_005909.5(MAP1B):c.2513A>C (p.Lys838Thr)

Gene: MAP1B (microtubule associated protein 1B; plus strand). Cytogenetic location: 5q13.2.
Variant type: single nucleotide variant.
Coding change: c.2513A>C on transcript NM_005909.5 (MANE Select); coding-DNA position 2513, A replaced by C.
Protein change: p.Lys838Thr; replaces lysine 838 with threonine.
Molecular consequence: missense variant.
Genome position (GRCh38, 1-based): chr5:72,195,868, A>C. VCF-style: chr5-72195868-A-C. GRCh37 (hg19) VCF-style: chr5-71491695-A-C.
Other names: c.2135A>C, p.Lys712Thr (NM_001324255.2); short protein forms K712T, K838T.
Identifiers: ClinVar variation 4886713 (VCV004886713.2).

ClinVar aggregate classification (germline): Uncertain significance (1 of 4 stars; one submission).

gnomAD v4.1: 1 of 1,614,248 alleles (0.000062%); highest among the groups gnomAD compares: Non-Finnish European, 0.000085%; no homozygotes.

Submission:

Dasa
Classification: Uncertain significance. Last evaluated: 2026-01-30. Review status: criteria provided, single submitter. Criteria: DASA Assertion Criteria. Collection method: clinical testing. Allele origin: germline.
Comment: NM_005909.5(MAP1B):c.2513A>C (p.Lys838Thr) is a missense variant that results in the substitution of lysine with threonine. This variant is rare in population databases. The currently available literature and clinical evidence are not sufficient to establish a definitive association between this variant and the reported condition. Therefore, this variant is classified as a variant of uncertain significance.